The following is an entry in ClinVar:

NM_000307.5(POU3F4):c.893_894del (p.Leu298fs)

Gene: POU3F4 (POU class 3 homeobox 4; plus strand). Cytogenetic location: Xq21.1.
Variant type: Deletion.
Coding change: c.893_894del on transcript NM_000307.5 (MANE Select); coding-DNA positions 893 to 894, 2 bases deleted (TC; older notation c.893_894delTC).
Protein change: p.Leu298fs; shifts the reading frame from leucine 298.
Molecular consequence: frameshift variant.
Genome position (GRCh38, 1-based): chrX:83,509,217-83,509,218, TC deleted; deleting any 2 consecutive bases within chrX:83,509,216-83,509,218 gives the same sequence; the c. name uses the placement nearest the transcript's 3' end. VCF-style (leftmost placement, unchanged base first): chrX-83509215-CCT-C. GRCh37 (hg19) VCF-style: chrX-82764223-CCT-C.
Other names: short protein forms L298fs.
Identifiers: ClinVar variation 3601683 (VCV003601683.1).

ClinVar aggregate classification (germline): Pathogenic (1 of 4 stars; one submission).

Conditions:
X-linked mixed hearing loss with perilymphatic gusher. Also called: Deafness, X-linked 2; NANCE DEAFNESS; PERILYMPHATIC GUSHER-DEAFNESS SYNDROME; SENSORINEURAL DEAFNESS, PROFOUND, WITH OR WITHOUT A CONDUCTIVE COMPONENT, ASSOCIATED WITH A UNIQUE DEVELOPMENTAL ABNORMALITY OF THE EAR; Gusher syndrome. Identifiers: Orphanet 383, MedGen C1844678, MONDO:0010576, OMIM 304400.

Submission:

Institute of Rare Diseases, West China Hospital, Sichuan University
Classification: Pathogenic for X-linked mixed hearing loss with perilymphatic gusher. Last evaluated: 2025-01-09. Review status: criteria provided, single submitter. Criteria: ClinGen HL ACMG Specifications v1. Collection method: research. Allele origin: germline. Affected: yes.
Comment: PM1;PVS1;PM3_Supporting;PM2_Supporting